The following is an entry in ClinVar:

NM_005902.4(SMAD3):c.977G>A (p.Trp326Ter)

Gene: SMAD3 (SMAD family member 3; plus strand). Cytogenetic location: 15q22.33.
Variant type: single nucleotide variant.
Coding change: c.977G>A on transcript NM_005902.4 (MANE Select); coding-DNA position 977, G replaced by A.
Protein change: p.Trp326Ter; replaces tryptophan 326 with a stop codon.
Molecular consequence: nonsense. On other transcripts: intron variant (1).
Genome position (GRCh38, 1-based): chr15:67,184,832, G>A. VCF-style: chr15-67184832-G-A. GRCh37 (hg19) VCF-style: chr15-67477170-G-A.
Other names: c.977G>A (NM_005902.3); c.662G>A, p.Trp221Ter (NM_001145102.2, NM_001407016.1); c.845G>A, p.Trp282Ter (NM_001145103.2, NM_001407012.1); c.392G>A, p.Trp131Ter (NM_001145104.2, NM_001407017.1); c.977G>A, p.Trp326Ter (NM_001407011.1); c.830G>A, p.Trp277Ter (NM_001407014.1); c.530G>A, p.Trp177Ter (NM_001407015.1); c.872-2533G>A (NM_001407013.1); short protein forms W131*, W221*, W282*, W177*, W277*, W326*.
Identifiers: ClinVar variation 3721820 (VCV003721820.4).

ClinVar aggregate classification (germline): Pathogenic. Review status: criteria provided, multiple submitters, no conflicts (2 of 4 stars). 3 submissions from 3 submitters: Pathogenic (3). Last evaluated 2025-02-26.

Conditions:
SMAD3-related disorder. Also called: SMAD3-related condition.
Familial thoracic aortic aneurysm and aortic dissection (TAAD). Also called: Thoracic aortic aneurysms and dissections. Identifiers: Orphanet 91387, MedGen C4707243, MONDO:0019625.

Submissions (3):

GeneDx
Classification: Pathogenic. Last evaluated: 2025-02-26. Review status: criteria provided, single submitter. Criteria: GeneDx Variant Classification Process June 2021. Collection method: clinical testing. Allele origin: germline. Affected: yes.
Comment: Not observed at significant frequency in large population cohorts (gnomAD); Nonsense variant predicted to result in protein truncation or nonsense mediated decay in a gene for which loss of function is a known mechanism of disease; This variant is associated with the following publications: (PMID: 25944730)

Labcorp Genetics (formerly Invitae), Labcorp
Classification: Pathogenic for Familial thoracic aortic aneurysm and aortic dissection. Last evaluated: 2025-02-12. Review status: criteria provided, single submitter. Criteria: Invitae Variant Classification Sherloc (09022015). Collection method: clinical testing. Allele origin: germline.
Comment: This sequence change creates a premature translational stop signal (p.Trp326*) in the SMAD3 gene. It is expected to result in an absent or disrupted protein product. Loss-of-function variants in SMAD3 are known to be pathogenic (PMID: 21778426, 24804794). This variant is not present in population databases (gnomAD no frequency). This premature translational stop signal has been observed in individual(s) with aortic dilation or dissection (PMID: 25944730). For these reasons, this variant has been classified as Pathogenic.

Blueprint Genetics
Classification: Pathogenic for SMAD3-related disorders. Last evaluated: 2022-09-06. Review status: criteria provided, single submitter. Criteria: ACMG Guidelines, 2015. Collection method: clinical testing. Allele origin: germline. Affected: yes. Observed: 1 variant allele.

Literature cited by the submitters: PubMed 21778426 (cited by Labcorp Genetics (formerly Invitae), Labcorp); PubMed 24804794 (cited by Labcorp Genetics (formerly Invitae), Labcorp); PubMed 25944730 (cited by Labcorp Genetics (formerly Invitae), Labcorp).